The following is an entry in ClinVar:

ClinVar aggregate classification (germline): Uncertain significance (1 of 4 stars; one submission).

gnomAD v4.1: 2 of 1,232,044 alleles (0.00016%); highest among the groups gnomAD compares: Non-Finnish European, 0.0001%; no homozygotes.

Submission:

GeneDx
Classification: Uncertain significance. Last evaluated: 2024-04-26. Review status: criteria provided, single submitter. Criteria: GeneDx Variant Classification Process June 2021. Collection method: clinical testing. Allele origin: germline. Affected: yes.
Comment: Has not been previously published as pathogenic or benign to our knowledge; No data available from control populations to assess the frequency of this variant; In silico analysis does not support a benign or deleterious effect of this variant on protein structure/function

NM_001287491.2(TET3):c.190C>T (p.Arg64Trp)

Gene: TET3 (tet methylcytosine dioxygenase 3; plus strand). Cytogenetic location: 2p13.1.
Variant type: single nucleotide variant.
Coding change: c.190C>T on transcript NM_001287491.2 (MANE Select); coding-DNA position 190, C replaced by T.
Protein change: p.Arg64Trp; replaces arginine 64 with tryptophan.
Molecular consequence: missense variant.
Genome position (GRCh38, 1-based): chr2:73,986,593, C>T. VCF-style: chr2-73986593-C-T. GRCh37 (hg19) VCF-style: chr2-74213720-C-T.
Other names: short protein forms R64W.
Identifiers: ClinVar variation 3373158 (VCV003373158.1).